The following is an entry in ClinVar:

ClinVar aggregate classification (germline): Uncertain significance (1 of 4 stars; one submission).

Conditions:
Epidermodysplasia verruciformis. Identifiers: Orphanet 302, MedGen C0014522, MONDO:0009176.

Allele frequency attached by ClinVar (database versions not stated): gnomAD exomes below 0.00001.
gnomAD v4.1: 1 of 1,613,660 alleles (0.000062%); no homozygotes.

Submission:

Labcorp Genetics (formerly Invitae), Labcorp
Classification: Uncertain significance for Epidermodysplasia verruciformis. Last evaluated: 2021-09-01. Review status: criteria provided, single submitter. Criteria: Invitae Variant Classification Sherloc (09022015). Collection method: clinical testing. Allele origin: germline.
Comment: Algorithms developed to predict the effect of missense changes on protein structure and function are either unavailable or do not agree on the potential impact of this missense change (SIFT: "Deleterious"; PolyPhen-2: "Possibly Damaging"; Align-GVGD: "Class C0"). In summary, the available evidence is currently insufficient to determine the role of this variant in disease. Therefore, it has been classified as a Variant of Uncertain Significance. This variant has not been reported in the literature in individuals affected with TMC8-related conditions. This variant is not present in population databases (ExAC no frequency). This sequence change replaces tryptophan with arginine at codon 250 of the TMC8 protein (p.Trp250Arg). The tryptophan residue is highly conserved and there is a moderate physicochemical difference between tryptophan and arginine.

NM_152468.5(TMC8):c.748T>C (p.Trp250Arg)

Gene: TMC8 (transmembrane channel like 8; plus strand). Cytogenetic location: 17q25.3.
Variant type: single nucleotide variant.
Coding change: c.748T>C on transcript NM_152468.5 (MANE Select); coding-DNA position 748, T replaced by C.
Protein change: p.Trp250Arg; replaces tryptophan 250 with arginine.
Molecular consequence: missense variant.
Genome position (GRCh38, 1-based): chr17:78,133,932, T>C. VCF-style: chr17-78133932-T-C. GRCh37 (hg19) VCF-style: chr17-76130013-T-C.
Other names: short protein forms W250R.
Identifiers: ClinVar variation 1379082 (VCV001379082.6), dbSNP rs2145645141, ClinGen allele CA401244101.